The following is an entry in ClinVar:

ClinVar aggregate classification (germline): Uncertain significance (1 of 4 stars; one submission).

gnomAD v4.1: 8 of 1,613,946 alleles (0.0005%); highest among the groups gnomAD compares: African/African-American, 0.008%; no homozygotes.

Submission:

GeneDx
Classification: Uncertain significance. Last evaluated: 2022-07-07. Review status: criteria provided, single submitter. Criteria: GeneDx Variant Classification Process June 2021. Collection method: clinical testing. Allele origin: germline. Affected: yes.
Comment: In silico analysis supports that this missense variant does not alter protein structure/function; Has not been previously published as pathogenic or benign to our knowledge

NM_020964.3(EPG5):c.6187C>G (p.Leu2063Val)

Gene: EPG5 (ectopic P-granules 5 autophagy tethering factor; minus strand). Cytogenetic location: 18q12.3.
Variant type: single nucleotide variant.
Coding change: c.6187C>G on transcript NM_020964.3 (MANE Select); coding-DNA position 6187, C replaced by G.
Protein change: p.Leu2063Val; replaces leucine 2063 with valine.
Molecular consequence: missense variant.
Genome position (GRCh38, 1-based): chr18:45,870,605, G>C on the plus strand (C>G on the coding strand, the complement: EPG5 is on the minus strand). VCF-style: chr18-45870605-G-C. GRCh37 (hg19) VCF-style: chr18-43450570-G-C.
Other names: c.6187C>G, p.Leu2063Val (NM_001410858.1); c.6184C>G, p.Leu2062Val (NM_001410859.1); short protein forms L2062V, L2063V.
Identifiers: ClinVar variation 1810534 (VCV001810534.1), dbSNP rs767925401, ClinGen allele CA8948352.